The following is an entry in ClinVar:

ClinVar aggregate classification (germline): Uncertain significance (1 of 4 stars; one submission).

Conditions:
Intellectual developmental disorder, X-linked 93. Also called: MENTAL RETARDATION, X-LINKED, WITH MACROCEPHALY; Intellectual disability, X-linked 93. Identifiers: MedGen C1970841, MONDO:0010393, OMIM 300659.

Submission:

Pittsburgh Clinical Genomics Laboratory, University of Pittsburgh Medical Center
Classification: Uncertain significance for Intellectual developmental disorder, X-linked 93. Last evaluated: 2023-07-21. Review status: criteria provided, single submitter. Criteria: ACMG Guidelines, 2015. Collection method: clinical testing. Allele origin: germline. Inheritance: X-linked recessive inheritance. Affected: yes.
Comment: This sequence variant is a single nucleotide substitution (G>A) at position 5357 of the coding sequence of the BRWD3 gene that results in an arginine to histidine amino acid change at residue 1786 of the bromodomain and WD repeat domain containing 3 protein. This variant is absent from ClinVar and from the gnomAD population database (0 of ~182,000 alleles). Literature reports of this variant present in individuals with BRWD3-related disorders have not been published, to our knowledge. Multiple bioinformatic tools predict that this arginine to histidine amino acid change would be damaging, and the Arg1786 residue at this position is highly conserved across the vertebrate species examined. Studies examining the functiol consequence of this variant have not been performed, to our knowledge. At this time, there is insufficient evidence to determine if this variant is pathogenic or benign. Therefore, we consider this a variant of uncertain significance. ACMG Criteria: PM2

NM_153252.5(BRWD3):c.5357G>A (p.Arg1786His)

Gene: BRWD3 (bromodomain and WD repeat domain containing 3; minus strand). Cytogenetic location: Xq21.1.
Variant type: single nucleotide variant.
Coding change: c.5357G>A on transcript NM_153252.5 (MANE Select); coding-DNA position 5357, G replaced by A.
Protein change: p.Arg1786His; replaces arginine 1786 with histidine.
Molecular consequence: missense variant.
Genome position (GRCh38, 1-based): chrX:80,676,661, C>T on the plus strand (G>A on the coding strand, the complement: BRWD3 is on the minus strand). VCF-style: chrX-80676661-C-T. GRCh37 (hg19) VCF-style: chrX-79932160-C-T.
Other names: short protein forms R1786H.
Identifiers: ClinVar variation 3376302 (VCV003376302.1).